The following is an entry in ClinVar:

ClinVar aggregate classification (germline): Uncertain significance (1 of 4 stars; one submission).

Allele frequency attached by ClinVar (database versions not stated): gnomAD exomes 0.00001; ExAC 0.00002; gnomAD 0.00002; TOPMed 0.00003.
gnomAD v4.1: 13 of 1,614,040 alleles (0.00081%); highest among the groups gnomAD compares: Admixed American, 0.013%; no homozygotes.

Submission:

Labcorp Genetics (formerly Invitae), Labcorp
Classification: Uncertain significance. Last evaluated: 2022-05-25. Review status: criteria provided, single submitter. Criteria: Invitae Variant Classification Sherloc (09022015). Collection method: clinical testing. Allele origin: germline.
Comment: This sequence change replaces asparagine, which is neutral and polar, with tyrosine, which is neutral and polar, at codon 252 of the ARFGEF2 protein (p.Asn252Tyr). This variant is present in population databases (rs776884400, gnomAD 0.009%). This variant has not been reported in the literature in individuals affected with ARFGEF2-related conditions. Algorithms developed to predict the effect of missense changes on protein structure and function (SIFT, PolyPhen-2, Align-GVGD) all suggest that this variant is likely to be tolerated. In summary, the available evidence is currently insufficient to determine the role of this variant in disease. Therefore, it has been classified as a Variant of Uncertain Significance.

NM_006420.3(ARFGEF2):c.754A>T (p.Asn252Tyr)

Gene: ARFGEF2 (ARF guanine nucleotide exchange factor 2; plus strand). Cytogenetic location: 20q13.13.
Variant type: single nucleotide variant.
Coding change: c.754A>T on transcript NM_006420.3 (MANE Select); coding-DNA position 754, A replaced by T.
Protein change: p.Asn252Tyr; replaces asparagine 252 with tyrosine.
Molecular consequence: missense variant.
Genome position (GRCh38, 1-based): chr20:48,953,706, A>T. VCF-style: chr20-48953706-A-T. GRCh37 (hg19) VCF-style: chr20-47570243-A-T.
Other names: c.754A>T, p.Asn252Tyr (NM_001410846.1); short protein forms N252Y.
Identifiers: ClinVar variation 2196589 (VCV002196589.1), dbSNP rs776884400, ClinGen allele CA9898227.